The following is an entry in ClinVar:

ClinVar aggregate classification (germline): Uncertain significance (1 of 4 stars; one submission).

Conditions:
Pulmonary fibrosis and/or bone marrow failure, Telomere-related, 3. Also called: PULMONARY FIBROSIS AND/OR BONE MARROW FAILURE SYNDROME, TELOMERE-RELATED, 3. Identifiers: Orphanet 2032, MedGen C4225346, MONDO:0014613, OMIM 616373.
Dyskeratosis congenita, autosomal recessive 5 (DKCB5). Identifiers: MedGen C3554656, MONDO:0014076, OMIM 615190.

Allele frequency attached by ClinVar (database versions not stated): gnomAD exomes below 0.00001.

Submission:

Labcorp Genetics (formerly Invitae), Labcorp
Classification: Uncertain significance for Dyskeratosis congenita, autosomal recessive 5; Pulmonary fibrosis and/or bone marrow failure, Telomere-related, 3. Last evaluated: 2025-02-26. Review status: criteria provided, single submitter. Criteria: Invitae Variant Classification Sherloc (09022015). Collection method: clinical testing. Allele origin: germline.
Comment: This sequence change replaces alanine, which is neutral and non-polar, with threonine, which is neutral and polar, at codon 69 of the RTEL1 protein (p.Ala69Thr). The frequency data for this variant in the population databases is considered unreliable, as metrics indicate poor data quality at this position in the gnomAD database. This variant has not been reported in the literature in individuals affected with RTEL1-related conditions. ClinVar contains an entry for this variant (Variation ID: 1424521). An algorithm developed to predict the effect of missense changes on protein structure and function (PolyPhen-2) suggests that this variant is likely to be tolerated. In summary, the available evidence is currently insufficient to determine the role of this variant in disease. Therefore, it has been classified as a Variant of Uncertain Significance.

NM_001283009.2(RTEL1):c.205G>A (p.Ala69Thr)

Genes: RTEL1 (regulator of telomere elongation helicase 1; plus strand), RTEL1-TNFRSF6B (RTEL1-TNFRSF6B readthrough (NMD candidate); plus strand). Cytogenetic location: 20q13.33.
Variant type: single nucleotide variant.
Coding change: c.205G>A on transcript NM_001283009.2 (MANE Select); coding-DNA position 205, G replaced by A.
Protein change: p.Ala69Thr; replaces alanine 69 with threonine.
Molecular consequence: missense variant. On other transcripts: non-coding transcript variant (1), 5 prime UTR variant (1).
Genome position (GRCh38, 1-based): chr20:63,661,400, G>A. VCF-style: chr20-63661400-G-A. GRCh37 (hg19) VCF-style: chr20-62292753-G-A.
Other names: c.-465G>A (NM_001283010.1); c.205G>A, p.Ala69Thr (NM_016434.4, NM_032957.5); short protein forms A69T.
Identifiers: ClinVar variation 1424521 (VCV001424521.8), dbSNP rs768524684, ClinGen allele CA409657947.